The following is an entry in ClinVar:

ClinVar aggregate classification (germline): Uncertain significance (1 of 4 stars; one submission).

Conditions:
Short-rib thoracic dysplasia 11 with or without polydactyly (SRTD11). Also called: SHORT-RIB THORACIC DYSPLASIA 11 WITHOUT POLYDACTYLY. Identifiers: Orphanet 474, Orphanet 93271, MedGen C3810200, MONDO:0014287, OMIM 615633.

gnomAD v4.1: 2 of 1,614,186 alleles (0.00012%); highest among the groups gnomAD compares: Admixed American, 0.0017%; no homozygotes.

Submission:

Labcorp Genetics (formerly Invitae), Labcorp
Classification: Uncertain significance for Short-rib thoracic dysplasia 11 with or without polydactyly. Last evaluated: 2021-12-08. Review status: criteria provided, single submitter. Criteria: Invitae Variant Classification Sherloc (09022015). Collection method: clinical testing. Allele origin: germline.
Comment: This sequence change replaces alanine, which is neutral and non-polar, with serine, which is neutral and polar, at codon 109 of the WDR34 protein (p.Ala109Ser). The frequency data for this variant in the population databases is considered unreliable, as metrics indicate poor data quality at this position in the gnomAD database. This variant has not been reported in the literature in individuals affected with WDR34-related conditions. Algorithms developed to predict the effect of missense changes on protein structure and function (SIFT, PolyPhen-2, Align-GVGD) all suggest that this variant is likely to be tolerated. In summary, the available evidence is currently insufficient to determine the role of this variant in disease. Therefore, it has been classified as a Variant of Uncertain Significance.

NM_052844.4(DYNC2I2):c.325G>T (p.Ala109Ser)

Gene: DYNC2I2 (dynein 2 intermediate chain 2; minus strand). Cytogenetic location: 9q34.11.
Variant type: single nucleotide variant.
Coding change: c.325G>T on transcript NM_052844.4 (MANE Select); coding-DNA position 325, G replaced by T.
Protein change: p.Ala109Ser; replaces alanine 109 with serine.
Molecular consequence: missense variant.
Genome position (GRCh38, 1-based): chr9:128,640,801, C>A on the plus strand (G>T on the coding strand, the complement: DYNC2I2 is on the minus strand). VCF-style: chr9-128640801-C-A. GRCh37 (hg19) VCF-style: chr9-131403080-C-A.
Other names: short protein forms A109S.
Identifiers: ClinVar variation 1681254 (VCV001681254.6), dbSNP rs773435636, ClinGen allele CA5266656.